The following is an entry in ClinVar:

ClinVar aggregate classification (germline): Pathogenic (1 of 4 stars; one submission).

Conditions:
Primary immunodeficiency with post-measles-mumps-rubella vaccine viral infection. Also called: Immunodeficiency 44. Identifiers: Orphanet 431166, MedGen C4225260, MONDO:0014715, OMIM 616636.

Submission:

Labcorp Genetics (formerly Invitae), Labcorp
Classification: Pathogenic for Primary immunodeficiency with post-measles-mumps-rubella vaccine viral infection. Last evaluated: 2022-11-26. Review status: criteria provided, single submitter. Criteria: Invitae Variant Classification Sherloc (09022015). Collection method: clinical testing. Allele origin: germline.
Comment: This sequence change creates a premature translational stop signal (p.Glu756Serfs*7) in the STAT2 gene. It is expected to result in an absent or disrupted protein product. Loss-of-function variants in STAT2 are known to be pathogenic (PMID: 23391734, 26122121). This variant is not present in population databases (gnomAD no frequency). This variant has not been reported in the literature in individuals affected with STAT2-related conditions. For these reasons, this variant has been classified as Pathogenic.

Literature cited by the submitters: PubMed 23391734; PubMed 26122121.

NM_005419.4(STAT2):c.2266del (p.Glu756fs)

Gene: STAT2 (signal transducer and activator of transcription 2; minus strand). Cytogenetic location: 12q13.3.
Variant type: Deletion.
Coding change: c.2266del on transcript NM_005419.4 (MANE Select); coding-DNA position 2266, one base deleted (G; older notation c.2266delG).
Protein change: p.Glu756fs; shifts the reading frame from glutamic acid 756.
Molecular consequence: frameshift variant.
Genome position (GRCh38, 1-based): chr12:56,343,972, C deleted on the plus strand (G on the coding strand, the reverse complement: STAT2 is on the minus strand); the first of 2 consecutive C bases (chr12:56,343,972-56,343,973); deleting either gives the same sequence. VCF-style (leftmost placement, unchanged base first): chr12-56343971-TC-T. GRCh37 (hg19) VCF-style: chr12-56737755-TC-T.
Other names: c.2233del, p.Glu745fs (NM_001385110.1); c.2167del, p.Glu723fs (NM_001385111.1); c.2266del, p.Glu756fs (NM_001385113.1); c.2245del, p.Glu749fs (NM_001385114.1); c.2254del, p.Glu752fs (NM_198332.2); c.2224del, p.Glu742fs (NM_001385115.1); short protein forms E742fs, E745fs, E749fs, E723fs, E752fs, E756fs.
Identifiers: ClinVar variation 2791440 (VCV002791440.3), dbSNP rs2547239801, ClinGen allele CA2739272094.
Genomic context (GRCh38, chr12:56,343,971, plus strand): 5'-TCTGGCACTGTTTGTGATACCATGCATAGTGTGGGCTCTATCACAGGCTCCAGAGTGGAC[TC>T]CAGCACAGACTCTAGCTCTGGCCCCAGATCCAGCCCTGCCTTCAGCAGTGGCTCTAAGTC-3'